The following is an entry in ClinVar:

NM_000159.4(GCDH):c.244C>G (p.Arg82Gly)

Gene: GCDH (glutaryl-CoA dehydrogenase; plus strand). Cytogenetic location: 19p13.13.
Variant type: single nucleotide variant.
Coding change: c.244C>G on transcript NM_000159.4 (MANE Select); coding-DNA position 244, C replaced by G.
Protein change: p.Arg82Gly; replaces arginine 82 with glycine.
Molecular consequence: missense variant. On other transcripts: non-coding transcript variant (2).
Genome position (GRCh38, 1-based): chr19:12,891,947, C>G. VCF-style: chr19-12891947-C-G. GRCh37 (hg19) VCF-style: chr19-13002761-C-G.
Other names: c.244C>G, p.Arg82Gly (NM_013976.5); short protein forms R82G.
Identifiers: ClinVar variation 3233572 (VCV003233572.2), dbSNP rs1333480915, ClinGen allele CA404315420.

ClinVar aggregate classification (germline): Uncertain significance (1 of 4 stars; one submission).

Submission:

Women's Health and Genetics/Laboratory Corporation of America, LabCorp
Classification: Uncertain significance. Last evaluated: 2024-03-08. Review status: criteria provided, single submitter. Criteria: LabCorp Variant Classification Summary - May 2015. Collection method: clinical testing. Allele origin: germline.
Comment: Variant summary: GCDH c.244C>G (p.Arg82Gly) results in a non-conservative amino acid change located in the Acyl-CoA dehydrogenase/oxidase, N-terminal (IPR013786) of the encoded protein sequence. Three of five in-silico tools predict a damaging effect of the variant on protein function. The variant was absent in 251404 control chromosomes. The available data on variant occurrences in the general population are insufficient to allow any conclusion about variant significance. To our knowledge, no occurrence of c.244C>G in individuals affected with Glutaric Acidemia Type 1 and no experimental evidence demonstrating its impact on protein function have been reported. No submitters have cited clinical-significance assessments for this variant to ClinVar. Based on the evidence outlined above, the variant was classified as uncertain significance.